The following is an entry in ClinVar:

NM_000070.3(CAPN3):c.397G>A (p.Ala133Thr)

Genes: CAPN3 (calpain 3; plus strand), LOC126862115 (BRD4-independent group 4 enhancer GRCh37_chr15:42677734-42678933; plus strand). Cytogenetic location: 15q15.1.
Variant type: single nucleotide variant.
Coding change: c.397G>A on transcript NM_000070.3 (MANE Select); coding-DNA position 397, G replaced by A.
Protein change: p.Ala133Thr; replaces alanine 133 with threonine.
Molecular consequence: missense variant.
Genome position (GRCh38, 1-based): chr15:42,386,184, G>A. VCF-style: chr15-42386184-G-A. GRCh37 (hg19) VCF-style: chr15-42678382-G-A.
Other names: c.397G>A, p.Ala133Thr (NM_024344.2, NM_173087.2); short protein forms A133T.
Identifiers: ClinVar variation 862181 (VCV000862181.20), dbSNP rs946415346, ClinGen allele CA269833695.

ClinVar aggregate classification (germline): Conflicting classifications of pathogenicity. Review status: criteria provided, conflicting classifications (1 of 4 stars). 6 submissions from 6 submitters: Likely pathogenic (4); Uncertain significance (1). 1 of the submissions does not count toward it. Last evaluated 2025-07-23.

Conditions:
Autosomal recessive limb-girdle muscular dystrophy type 2A (LGMDR1). Also called: LEYDEN-MOEBIUS MUSCULAR DYSTROPHY; MUSCULAR DYSTROPHY, PELVOFEMORAL; Limb-girdle muscular dystrophy, type 2A; Calpainopathy; Muscular dystrophy, limb-girdle, type 2A, Amish. Identifiers: Orphanet 267, MedGen C1869123, MONDO:0009675, OMIM 253600. Disease mechanism: loss of function.

gnomAD v4.1: 5 of 1,613,430 alleles (0.00031%); highest among the groups gnomAD compares: Non-Finnish European, 0.00034%; no homozygotes.

Submissions (6):

Women's Health and Genetics/Laboratory Corporation of America, LabCorp
Classification: Uncertain significance. Last evaluated: 2025-07-23. Review status: criteria provided, single submitter. Criteria: LabCorp Variant Classification Summary - May 2015. Collection method: clinical testing. Allele origin: germline.
Comment: Variant summary: CAPN3 c.397G>A (p.Ala133Thr) results in a non-conservative amino acid change located in the Peptidase C2, calpain, catalytic domain (IPR001300) of the encoded protein sequence. Algorithms developed to predict the effect of missense changes on protein structure and function all suggest that this variant is likely to be disruptive. The variant was absent in 251410 control chromosomes. c.397G>A has been observed in the presumed compound heterozygous state in multiple individual(s) affected with Limb-Girdle Muscular Dystrophy, Autosomal Recessive (example, Zidkova_2023, Labcorp Genetics (formerly Invitae)), including at least 1 family where it segregated with disease in trans with a pathogenic variant. These data indicate that the variant may be associated with disease. One publication reports experimental evidence evaluating an impact on protein function in vitro, however, does not allow convincing conclusions about the variant effect (Ono_2006). The following publications have been ascertained in the context of this evaluation (PMID: 37526466, 16627476). ClinVar contains an entry for this variant (Variation ID: 862181). Based on the evidence outlined above, the variant was classified as VUS-possibly pathogenic.

Myriad Genetics, Inc.
Classification: Likely pathogenic for Autosomal recessive limb-girdle muscular dystrophy type 2A. Last evaluated: 2025-07-22. Review status: criteria provided, single submitter. Criteria: Myriad Autosomal Dominant, Autosomal Recessive and X-Linked Classification Criteria (2023). Collection method: clinical testing. Allele origin: unknown.
Comment: NM_000070.2(CAPN3):c.397G>A(A133T) is a missense variant classified as likely pathogenic in the context of calpainopathy. A133T has been observed in cases with relevant disease (PMID: 37526466, 23553538). Relevant functional assessments of this variant are not available in the literature. Internal structural analysis of the variant is supportive of pathogenicity. A133T has not been observed in referenced population frequency databases. In summary, NM_000070.2(CAPN3):c.397G>A(A133T) is a missense variant that has internal structural support for pathogenicity and has been observed more frequently in cases with the relevant disease than in healthy populations. Please note: this variant was assessed in the context of healthy population screening.

Revvity Omics, Revvity
Classification: Likely pathogenic. Last evaluated: 2024-06-25. Review status: criteria provided, single submitter. Criteria: ACMG Guidelines, 2015. Collection method: clinical testing. Allele origin: germline.

Clinical Omics and Informatics (COIN) Unit, Neuroscience Institute, University Of Cape Town
Classification: Likely pathogenic for Autosomal recessive limb-girdle muscular dystrophy type 2A. Last evaluated: 2024-05-22. Review status: criteria provided, single submitter. Criteria: ACMG Guidelines, 2015. Collection method: research. Allele origin: germline. Inheritance: Autosomal recessive inheritance. Affected: yes. Observed: 1 variant allele, 1 homozygote. Study: International Centre for Genomic Medicine for Neuromuscular Disease (ICGNMD).
Comment: PM2_Supporting: the highest population allele frequency in gnomAD v4.0 is 0.00001656 (0.002%; 1/60388 alleles in Remaining population) and there are no homozygous observations. PP3_Moderare: REVEL score is 0.907. PM1 Not Met: pathogenic variants are distributed throughout the protein. PM3 Met: 1.5 points awarded for 2 observations of variant with another pathogenic CAPN3 variant, one with phase unknown (PMID 37526466) and one confirmed in trans (ClinVar SCV001233990.5). PM5 Met: NM_000070.3(CAPN3):c.398C>T (p.Ala133Val) classified as likely pathogenic (PM2_Supporting, PP3_Strong, PM3 Met). Sequencing funded by the International Centre for Genomic Medicine in Neuromuscular Diseases (ICGNMD).

Labcorp Genetics (formerly Invitae), Labcorp
Classification: Likely pathogenic for Autosomal recessive limb-girdle muscular dystrophy type 2A. Last evaluated: 2023-09-08. Review status: criteria provided, single submitter. Criteria: Invitae Variant Classification Sherloc (09022015). Collection method: clinical testing. Allele origin: germline.
Comment: In summary, the currently available evidence indicates that the variant is pathogenic, but additional data are needed to prove that conclusively. Therefore, this variant has been classified as Likely Pathogenic. Advanced modeling of protein sequence and biophysical properties (such as structural, functional, and spatial information, amino acid conservation, physicochemical variation, residue mobility, and thermodynamic stability) performed at Invitae indicates that this missense variant is expected to disrupt CAPN3 protein function. ClinVar contains an entry for this variant (Variation ID: 862181). This missense change has been observed in individual(s) with limb-girdle muscular dystrophy (Invitae). In at least one individual the data is consistent with being in trans (on the opposite chromosome) from a pathogenic variant. It has also been observed to segregate with disease in related individuals. This variant is not present in population databases (gnomAD no frequency). This sequence change replaces alanine, which is neutral and non-polar, with threonine, which is neutral and polar, at codon 133 of the CAPN3 protein (p.Ala133Thr).

Natera, Inc.
Classification: Uncertain significance for Limb-girdle muscular dystrophy type 2A. Last evaluated: 2021-02-05. Review status: no assertion criteria provided. Collection method: clinical testing. Allele origin: germline. Not counted in ClinVar's aggregate classification.

Literature cited by the submitters: PubMed 16627476 (cited by Women's Health and Genetics/Laboratory Corporation of America, LabCorp); PubMed 37526466 (cited by Women's Health and Genetics/Laboratory Corporation of America, LabCorp and Myriad Genetics, Inc.); PubMed 23553538 (cited by Myriad Genetics, Inc.); PubMed 37712079 (cited by Clinical Omics and Informatics (COIN) Unit, Neuroscience Institute, University Of Cape Town).